The following is an entry in ClinVar:

ClinVar aggregate classification (germline): Uncertain significance (1 of 4 stars; one submission).

Conditions:
Acromesomelic dysplasia 1, Maroteaux type (AMD1). Also called: ACROMESOMELIC DYSPLASIA 1; ST. HELENA DYSPLASIA. Identifiers: Orphanet 40, MedGen C1864356, MONDO:0011275, OMIM 602875.

Submission:

Suzhou Clinical Center for Rare Diseases in Children, Children's Hospital of Soochow University
Classification: Uncertain significance for Acromesomelic dysplasia 1, Maroteaux type. Last evaluated: 2024-09-01. Review status: criteria provided, single submitter. Criteria: ACMG Guidelines, 2015. Collection method: clinical testing. Allele origin: de novo. Affected: yes.
Comment: The NM_003995.4:c.1552T＞C(p.S517P) variant of NPR2 is absent in gnomAD (v4.1.0)(PM2_Supporting). (PM3) . According to the ACMG guidelines, this variant is classified as a variant of Uncertain significance. (PM3+PM2_Supporting)

NM_003995.4(NPR2):c.1552T>C (p.Ser518Pro)

Gene: NPR2 (natriuretic peptide receptor 2; plus strand). Cytogenetic location: 9p13.3.
Variant type: single nucleotide variant.
Coding change: c.1552T>C on transcript NM_003995.4 (MANE Select); coding-DNA position 1552, T replaced by C.
Protein change: p.Ser518Pro; replaces serine 518 with proline.
Molecular consequence: missense variant.
Genome position (GRCh38, 1-based): chr9:35,801,758, T>C. VCF-style: chr9-35801758-T-C. GRCh37 (hg19) VCF-style: chr9-35801755-T-C.
Other names: c.1561T>C, p.Ser521Pro (NM_001378923.1); short protein forms S518P, S521P.
Identifiers: ClinVar variation 3362237 (VCV003362237.1).